The following is an entry in ClinVar:

ClinVar aggregate classification (germline): Uncertain significance (1 of 4 stars; one submission).

Conditions:
Syndromic microphthalmia. Also called: Syndromic microphthalmia-anophthalmia-coloboma. Identifiers: Orphanet 202948, MedGen C5679782, MONDO:0016073.

Submission:

Genetics Department, University Hospital of Toulouse
Classification: Uncertain significance for Syndromic microphthalmia. Last evaluated: 2025-10-05. Review status: criteria provided, single submitter. Criteria: ACMG Guidelines, 2015. Collection method: clinical testing. Allele origin: de novo. Affected: yes. Observed: 1 variant allele.
Comment: The NM_015313.3:c.2614-7G>A p.? Is predicted to alter splicing of ARHGEF12. The gene is not currently associated with a disease.

Literature cited by the submitters: PubMed 38242088.

NM_015313.3(ARHGEF12):c.2614-7G>A

Gene: ARHGEF12 (Rho guanine nucleotide exchange factor 12; plus strand). Cytogenetic location: 11q23.3.
Variant type: single nucleotide variant.
Coding change: c.2614-7G>A on transcript NM_015313.3 (MANE Select); 7 bases into the intron before coding-DNA position 2614, G replaced by A.
Molecular consequence: intron variant.
Genome position (GRCh38, 1-based): chr11:120,465,230, G>A. VCF-style: chr11-120465230-G-A. GRCh37 (hg19) VCF-style: chr11-120335939-G-A.
Other names: c.2557-7G>A (NM_001198665.2); c.2305-7G>A (NM_001301084.2).
Identifiers: ClinVar variation 4796481 (VCV004796481.1).